The following is an entry in ClinVar:

NM_000245.4(MET):c.703A>T (p.Ile235Phe)

Gene: MET (MET proto-oncogene, receptor tyrosine kinase; plus strand). Cytogenetic location: 7q31.2.
Variant type: single nucleotide variant.
Coding change: c.703A>T on transcript NM_000245.4 (MANE Select); coding-DNA position 703, A replaced by T.
Protein change: p.Ile235Phe; replaces isoleucine 235 with phenylalanine.
Molecular consequence: missense variant. On other transcripts: intron variant (1).
Genome position (GRCh38, 1-based): chr7:116,699,787, A>T. VCF-style: chr7-116699787-A-T. GRCh37 (hg19) VCF-style: chr7-116339841-A-T.
Other names: c.-91+27210A>T (NM_001324402.2); c.703A>T, p.Ile235Phe (NM_001127500.3, NM_001324401.3); short protein forms I235F.
Identifiers: ClinVar variation 4053971 (VCV004053971.1).

ClinVar aggregate classification (germline): Uncertain significance (1 of 4 stars; one submission).

Conditions:
Hereditary cancer-predisposing syndrome. Also called: Neoplastic Syndromes, Hereditary; Tumor predisposition; Hereditary neoplastic syndrome; Hereditary Cancer Syndrome. Identifiers: Orphanet 140162, MedGen C0027672, MeSH D009386, MONDO:0015356.

gnomAD v4.1: 1 of 1,614,140 alleles (0.000062%); highest among the groups gnomAD compares: South Asian, 0.0011%; no homozygotes.

Submission:

Ambry Genetics
Classification: Uncertain significance for Hereditary cancer-predisposing syndrome. Last evaluated: 2025-05-15. Review status: criteria provided, single submitter. Criteria: Ambry Variant Classification Scheme 2023. Collection method: clinical testing. Allele origin: germline.
Comment: The p.I235F variant (also known as c.703A>T), located in coding exon 1 of the MET gene, results from an A to T substitution at nucleotide position 703. The isoleucine at codon 235 is replaced by phenylalanine, an amino acid with highly similar properties. This amino acid position is conserved. In addition, this alteration is predicted to be tolerated by in silico analysis. Based on the available evidence, the clinical significance of this variant remains unclear.